The following is an entry in ClinVar:

NM_001605.3(AARS1):c.1993-4G>A

Gene: AARS1 (alanyl-tRNA synthetase 1; minus strand). Cytogenetic location: 16q22.1.
Variant type: single nucleotide variant.
Coding change: c.1993-4G>A on transcript NM_001605.3 (MANE Select); 4 bases into the intron before coding-DNA position 1993, G replaced by A.
Molecular consequence: intron variant.
Genome position (GRCh38, 1-based): chr16:70,258,221, C>T on the plus strand (G>A on the coding strand, the complement: AARS1 is on the minus strand). VCF-style: chr16-70258221-C-T. GRCh37 (hg19) VCF-style: chr16-70292124-C-T.
Identifiers: ClinVar variation 508300 (VCV000508300.12), dbSNP rs528932248, ClinGen allele CA8140593.

ClinVar aggregate classification (germline): Benign/Likely benign. Review status: criteria provided, multiple submitters, no conflicts (2 of 4 stars). 2 submissions from 2 submitters: Benign (1); Likely benign (1). Last evaluated 2025-03-03.

Conditions:
Charcot-Marie-Tooth disease type 2. Also called: Charcot-Marie-Tooth type 2. Identifiers: Orphanet 64746, MedGen C0270914, MONDO:0018993.

Allele frequency attached by ClinVar (database versions not stated): gnomAD exomes 0.00011; gnomAD below 0.00001 and 0.00001; ExAC 0.00018; 1000 Genomes Project 0.00020; 1000 Genomes Project 30x 0.00031.

Submissions (2):

Labcorp Genetics (formerly Invitae), Labcorp
Classification: Benign for Charcot-Marie-Tooth disease type 2. Last evaluated: 2025-03-03. Review status: criteria provided, single submitter. Criteria: Invitae Variant Classification Sherloc (09022015). Collection method: clinical testing. Allele origin: germline.

GeneDx
Classification: Likely benign. Last evaluated: 2017-04-04. Review status: criteria provided, single submitter. Criteria: GeneDx Variant Classification (06012015). Collection method: clinical testing. Allele origin: germline. Affected: yes.
Comment: This variant is considered likely benign or benign based on one or more of the following criteria: it is a conservative change, it occurs at a poorly conserved position in the protein, it is predicted to be benign by multiple in silico algorithms, and/or has population frequency not consistent with disease.